The following is an entry in ClinVar:

ClinVar aggregate classification (germline): Likely pathogenic (1 of 4 stars; one submission).

Submission:

Labcorp Genetics (formerly Invitae), Labcorp
Classification: Likely pathogenic. Last evaluated: 2024-07-08. Review status: criteria provided, single submitter. Criteria: Invitae Variant Classification Sherloc (09022015). Collection method: clinical testing. Allele origin: germline.
Comment: This sequence change affects an acceptor splice site in intron 10 of the SI gene. It is expected to disrupt RNA splicing. Variants that disrupt the donor or acceptor splice site typically lead to a loss of protein function (PMID: 16199547), and loss-of-function variants in SI are known to be pathogenic (PMID: 16329100, 23103650, 25452324). This variant is not present in population databases (gnomAD no frequency). This variant has not been reported in the literature in individuals affected with SI-related conditions. Algorithms developed to predict the effect of sequence changes on RNA splicing suggest that this variant may disrupt the consensus splice site. In summary, the currently available evidence indicates that the variant is pathogenic, but additional data are needed to prove that conclusively. Therefore, this variant has been classified as Likely Pathogenic.

Literature cited by the submitters: PubMed 16199547; PubMed 16329100; PubMed 23103650; PubMed 25452324.

NM_001041.4(SI):c.1147-2A>G

Gene: SI (sucrase-isomaltase; minus strand). Cytogenetic location: 3q26.1.
Variant type: single nucleotide variant.
Coding change: c.1147-2A>G on transcript NM_001041.4 (MANE Select); the canonical splice acceptor site of the intron before coding-DNA position 1147, A replaced by G.
Molecular consequence: splice acceptor variant.
Genome position (GRCh38, 1-based): chr3:165,059,301, T>C on the plus strand (A>G on the coding strand, the complement: SI is on the minus strand). VCF-style: chr3-165059301-T-C. GRCh37 (hg19) VCF-style: chr3-164777089-T-C.
Identifiers: ClinVar variation 3673160 (VCV003673160.2).